The following is an entry in ClinVar:

NM_006509.4(RELB):c.868G>A (p.Glu290Lys)

Gene: RELB (RELB proto-oncogene, NF-kB subunit; plus strand). Cytogenetic location: 19q13.32.
Variant type: single nucleotide variant.
Coding change: c.868G>A on transcript NM_006509.4 (MANE Select); coding-DNA position 868, G replaced by A.
Protein change: p.Glu290Lys; replaces glutamic acid 290 with lysine.
Molecular consequence: missense variant.
Genome position (GRCh38, 1-based): chr19:45,025,719, G>A. VCF-style: chr19-45025719-G-A. GRCh37 (hg19) VCF-style: chr19-45528977-G-A.
Other names: c.868G>A (NM_006509.3); short protein forms E290K.
Identifiers: ClinVar variation 1422407 (VCV001422407.7), dbSNP rs756992131, ClinGen allele CA9507671.

ClinVar aggregate classification (germline): Uncertain significance. Review status: criteria provided, multiple submitters, no conflicts (2 of 4 stars). 2 submissions from 2 submitters: Uncertain significance (2). Last evaluated 2024-04-09.

Allele frequency attached by ClinVar (database versions not stated): gnomAD 0.00001; gnomAD exomes 0.00001; ExAC 0.00002.

Submissions (2):

Ambry Genetics
Classification: Uncertain significance. Last evaluated: 2024-04-09. Review status: criteria provided, single submitter. Criteria: Ambry Variant Classification Scheme 2023. Collection method: clinical testing. Allele origin: germline.

Labcorp Genetics (formerly Invitae), Labcorp
Classification: Uncertain significance. Last evaluated: 2021-10-22. Review status: criteria provided, single submitter. Criteria: Invitae Variant Classification Sherloc (09022015). Collection method: clinical testing. Allele origin: germline.
Comment: This sequence change replaces glutamic acid with lysine at codon 290 of the RELB protein (p.Glu290Lys). The glutamic acid residue is highly conserved and there is a small physicochemical difference between glutamic acid and lysine. This variant is present in population databases (rs756992131, ExAC 0.003%). This variant has not been reported in the literature in individuals affected with RELB-related conditions. Algorithms developed to predict the effect of missense changes on protein structure and function are either unavailable or do not agree on the potential impact of this missense change (SIFT: "Deleterious"; PolyPhen-2: "Possibly Damaging"; Align-GVGD: "Class C0"). In summary, the available evidence is currently insufficient to determine the role of this variant in disease. Therefore, it has been classified as a Variant of Uncertain Significance.